The following is an entry in ClinVar:

NM_001378454.1(ALMS1):c.11295A>G (p.Ile3765Met)

Gene: ALMS1 (ALMS1 centrosome and basal body associated protein; plus strand). Cytogenetic location: 2p13.1.
Variant type: single nucleotide variant.
Coding change: c.11295A>G on transcript NM_001378454.1 (MANE Select); coding-DNA position 11295, A replaced by G.
Protein change: p.Ile3765Met; replaces isoleucine 3765 with methionine.
Molecular consequence: missense variant.
Genome position (GRCh38, 1-based): chr2:73,573,172, A>G. VCF-style: chr2-73573172-A-G. GRCh37 (hg19) VCF-style: chr2-73800299-A-G.
Other names: c.11298A>G, p.Ile3766Met (NM_015120.4); short protein forms I3765M, I3766M.
Identifiers: ClinVar variation 3857579 (VCV003857579.1).

ClinVar aggregate classification (germline): Uncertain significance (1 of 4 stars; one submission).

Conditions:
Cardiovascular phenotype. Identifiers: MedGen CN230736.

gnomAD v4.1: 6 of 1,613,580 alleles (0.00037%); highest among the groups gnomAD compares: East Asian, 0.0089%; no homozygotes.

Submission:

Ambry Genetics
Classification: Uncertain significance for Cardiovascular phenotype. Last evaluated: 2025-02-25. Review status: criteria provided, single submitter. Criteria: Ambry Variant Classification Scheme 2023. Collection method: clinical testing. Allele origin: germline.
Comment: The p.I3766M variant (also known as c.11298A>G), located in coding exon 16 of the ALMS1 gene, results from an A to G substitution at nucleotide position 11298. The isoleucine at codon 3766 is replaced by methionine, an amino acid with highly similar properties. This amino acid position is not well conserved in available vertebrate species. In addition, the in silico prediction for this alteration is inconclusive. Based on the available evidence, the clinical significance of this variant remains unclear.